The following continues an entry in ClinVar:

NM_144988.4(ALG14):c.137-18T>A

ClinVar aggregate classification (germline): Benign. Benign (7).

Submissions 31 to 49 of 49:

Dr. Peter K. Rogan Lab, Western University
No classification provided (evidence only). Condition: Chronic lymphocytic leukemia/small lymphocytic lymphoma. Review status: no classification provided. Collection method: in vitro. Allele origin: not applicable. Functional consequence: retained intron. Not counted in ClinVar's aggregate classification.

Dr. Peter K. Rogan Lab, Western University
No classification provided (evidence only). Condition: Chronic lymphocytic leukemia/small lymphocytic lymphoma. Review status: no classification provided. Collection method: in vitro. Allele origin: not applicable. Functional consequence: retained intron. Not counted in ClinVar's aggregate classification.

Dr. Peter K. Rogan Lab, Western University
No classification provided (evidence only). Condition: Chronic lymphocytic leukemia/small lymphocytic lymphoma. Review status: no classification provided. Collection method: in vitro. Allele origin: not applicable. Functional consequence: skipped exon. Not counted in ClinVar's aggregate classification.

Dr. Peter K. Rogan Lab, Western University
No classification provided (evidence only). Condition: Chronic lymphocytic leukemia/small lymphocytic lymphoma. Review status: no classification provided. Collection method: in vitro. Allele origin: not applicable. Functional consequence: skipped exon. Not counted in ClinVar's aggregate classification.

Dr. Peter K. Rogan Lab, Western University
No classification provided (evidence only). Condition: Chronic lymphocytic leukemia/small lymphocytic lymphoma. Review status: no classification provided. Collection method: in vitro. Allele origin: not applicable. Functional consequence: retained intron. Not counted in ClinVar's aggregate classification.

Dr. Peter K. Rogan Lab, Western University
No classification provided (evidence only). Condition: Chronic lymphocytic leukemia/small lymphocytic lymphoma. Review status: no classification provided. Collection method: in vitro. Allele origin: not applicable. Functional consequence: skipped exon. Not counted in ClinVar's aggregate classification.

Dr. Peter K. Rogan Lab, Western University
No classification provided (evidence only). Condition: Nonpapillary renal cell carcinoma. Review status: no classification provided. Collection method: in vitro. Allele origin: not applicable. Functional consequence: skipped exon. Not counted in ClinVar's aggregate classification.

Dr. Peter K. Rogan Lab, Western University
No classification provided (evidence only). Condition: Nonpapillary renal cell carcinoma. Review status: no classification provided. Collection method: in vitro. Allele origin: not applicable. Functional consequence: skipped exon, retained intron. Not counted in ClinVar's aggregate classification.

Dr. Peter K. Rogan Lab, Western University
No classification provided (evidence only). Condition: Nonpapillary renal cell carcinoma. Review status: no classification provided. Collection method: in vitro. Allele origin: not applicable. Functional consequence: skipped exon. Not counted in ClinVar's aggregate classification.

Dr. Peter K. Rogan Lab, Western University
No classification provided (evidence only). Condition: Nonpapillary renal cell carcinoma. Review status: no classification provided. Collection method: in vitro. Allele origin: not applicable. Functional consequence: skipped exon, retained intron. Not counted in ClinVar's aggregate classification.

Dr. Peter K. Rogan Lab, Western University
No classification provided (evidence only). Condition: Nonpapillary renal cell carcinoma. Review status: no classification provided. Collection method: in vitro. Allele origin: not applicable. Functional consequence: skipped exon. Not counted in ClinVar's aggregate classification.

Dr. Peter K. Rogan Lab, Western University
No classification provided (evidence only). Condition: Nonpapillary renal cell carcinoma. Review status: no classification provided. Collection method: in vitro. Allele origin: not applicable. Functional consequence: skipped exon. Not counted in ClinVar's aggregate classification.

Dr. Peter K. Rogan Lab, Western University
No classification provided (evidence only). Condition: Familial pancreatic carcinoma. Review status: no classification provided. Collection method: in vitro. Allele origin: not applicable. Functional consequence: retained intron. Not counted in ClinVar's aggregate classification.

Dr. Peter K. Rogan Lab, Western University
No classification provided (evidence only). Condition: Familial pancreatic carcinoma. Review status: no classification provided. Collection method: in vitro. Allele origin: not applicable. Functional consequence: retained intron. Not counted in ClinVar's aggregate classification.

Dr. Peter K. Rogan Lab, Western University
No classification provided (evidence only). Condition: Familial pancreatic carcinoma. Review status: no classification provided. Collection method: in vitro. Allele origin: not applicable. Functional consequence: skipped exon, retained intron. Not counted in ClinVar's aggregate classification.

Dr. Peter K. Rogan Lab, Western University
No classification provided (evidence only). Condition: Familial pancreatic carcinoma. Review status: no classification provided. Collection method: in vitro. Allele origin: not applicable. Functional consequence: skipped exon. Not counted in ClinVar's aggregate classification.

Dr. Peter K. Rogan Lab, Western University
No classification provided (evidence only). Condition: Familial pancreatic carcinoma. Review status: no classification provided. Collection method: in vitro. Allele origin: not applicable. Functional consequence: retained intron. Not counted in ClinVar's aggregate classification.

Dr. Peter K. Rogan Lab, Western University
No classification provided (evidence only). Condition: Familial pancreatic carcinoma. Review status: no classification provided. Collection method: in vitro. Allele origin: not applicable. Functional consequence: skipped exon, retained intron. Not counted in ClinVar's aggregate classification.

Dr. Peter K. Rogan Lab, Western University
No classification provided (evidence only). Condition: Familial pancreatic carcinoma. Review status: no classification provided. Collection method: in vitro. Allele origin: not applicable. Functional consequence: skipped exon. Not counted in ClinVar's aggregate classification.